The following is an entry in ClinVar:

ClinVar aggregate classification (germline): Pathogenic (1 of 4 stars; one submission).

Conditions:
Familial focal epilepsy with variable foci (FPEVF). Identifiers: Orphanet 98820, MedGen C1858477, MONDO:0020310.

Submission:

Labcorp Genetics (formerly Invitae), Labcorp
Classification: Pathogenic for Familial focal epilepsy with variable foci. Last evaluated: 2019-07-15. Review status: criteria provided, single submitter. Criteria: Invitae Variant Classification Sherloc (09022015). Collection method: clinical testing. Allele origin: germline.
Comment: For these reasons, this variant has been classified as Pathogenic. Loss-of-function variants in DEPDC5 are known to be pathogenic (PMID: 23542697, 23542701). Deletion of exons 19-29 has not been reported in the literature in individuals with a DEPDC5-related disease. This variant is an out-of-frame deletion of the genomic region encompassing exons 19-29 of the DEPDC5 gene. This is expected to create a premature translational stop signal and result in an absent or disrupted protein product.

Literature cited by the submitters: PubMed 23542697; PubMed 23542701.

NC_000022.11:g.(?_31809591)_(31815232_?)del

Gene: DEPDC5 (DEP domain containing 5, GATOR1 subcomplex subunit; plus strand). Cytogenetic location: 22q12.3.
Variant type: Deletion.
Identifiers: ClinVar variation 534830 (VCV000534830.9).